The following is an entry in ClinVar:

NM_004370.6(COL12A1):c.8649A>G (p.Pro2883=)

Gene: COL12A1 (collagen type XII alpha 1 chain; minus strand). Cytogenetic location: 6q13.
Variant type: single nucleotide variant.
Coding change: c.8649A>G on transcript NM_004370.6 (MANE Select); coding-DNA position 8649, A replaced by G.
Protein change: p.Pro2883=; no amino-acid change (proline 2883 retained).
Molecular consequence: synonymous variant.
Genome position (GRCh38, 1-based): chr6:75,095,108, T>C on the plus strand (A>G on the coding strand, the complement: COL12A1 is on the minus strand). VCF-style: chr6-75095108-T-C. GRCh37 (hg19) VCF-style: chr6-75804824-T-C.
Other names: c.5157A>G, p.Pro1719= (NM_080645.3).
Identifiers: ClinVar variation 1351377 (VCV001351377.8), dbSNP rs900917198, ClinGen allele CA450921813.

ClinVar aggregate classification (germline): Uncertain significance (1 of 4 stars; one submission).

Conditions:
Ullrich congenital muscular dystrophy 2 (UCMD2). Identifiers: Orphanet 75840, MedGen C4225314, MONDO:0014654, OMIM 616470.
Bethlem myopathy 2 (BTHLM2). Identifiers: Orphanet 536516, Orphanet 610, MedGen C4225313, MONDO:0034022, OMIM 616471.

Submission:

Labcorp Genetics (formerly Invitae), Labcorp
Classification: Uncertain significance for Bethlem myopathy 2; Ullrich congenital muscular dystrophy 2. Last evaluated: 2023-05-23. Review status: criteria provided, single submitter. Criteria: Invitae Variant Classification Sherloc (09022015). Collection method: clinical testing. Allele origin: germline.
Comment: In summary, the available evidence is currently insufficient to determine the role of this variant in disease. Therefore, it has been classified as a Variant of Uncertain Significance. Algorithms developed to predict the effect of sequence changes on RNA splicing suggest that this variant is not likely to affect RNA splicing. ClinVar contains an entry for this variant (Variation ID: 1351377). This variant has not been reported in the literature in individuals affected with COL12A1-related conditions. This variant is not present in population databases (gnomAD no frequency). This sequence change affects codon 2883 of the COL12A1 mRNA. It is a 'silent' change, meaning that it does not change the encoded amino acid sequence of the COL12A1 protein. It affects a nucleotide within the consensus splice site.